The following is an entry in ClinVar:

NM_022436.3(ABCG5):c.403-5T>C

Gene: ABCG5 (ATP binding cassette subfamily G member 5; minus strand). Cytogenetic location: 2p21.
Variant type: single nucleotide variant.
Coding change: c.403-5T>C on transcript NM_022436.3 (MANE Select); 5 bases into the intron before coding-DNA position 403, T replaced by C.
Molecular consequence: intron variant.
Genome position (GRCh38, 1-based): chr2:43,831,872, A>G on the plus strand (T>C on the coding strand, the complement: ABCG5 is on the minus strand). VCF-style: chr2-43831872-A-G. GRCh37 (hg19) VCF-style: chr2-44059011-A-G.
Identifiers: ClinVar variation 3414117 (VCV003414117.1).
Genomic context (GRCh38, chr2:43,831,872, plus strand): 5'-AGCGCGGTGTAGTGCAGCGTCTCGCGCACGGTGAGGCTGCTCAGCAGGGTGTCGCTCTGC[A>G]GGAGACTCGGGCGTCAGTGTAGCCTAAGCCCCCGGGGCGGGCGGGGGGGCCAGGGGTGTG-3'

ClinVar aggregate classification (germline): Uncertain significance (1 of 4 stars; one submission).

Conditions:
Cardiovascular phenotype. Identifiers: MedGen CN230736.

gnomAD v4.1: 9 of 1,471,986 alleles (0.00061%); highest among the groups gnomAD compares: Non-Finnish European, 0.00082%; no homozygotes.

Submission:

Ambry Genetics
Classification: Uncertain significance for Cardiovascular phenotype. Last evaluated: 2024-12-04. Review status: criteria provided, single submitter. Criteria: Ambry Variant Classification Scheme 2023. Collection method: clinical testing. Allele origin: germline.
Comment: The c.403-5T>C intronic variant results from a T to C substitution 5 nucleotides upstream from coding exon 4 in the ABCG5 gene. This nucleotide position is poorly conserved in available vertebrate species. In silico splice site analysis predicts that this alteration will not have any significant effect on splicing. Based on the available evidence, the clinical significance of this variant remains unclear.